The following is an entry in ClinVar:

ClinVar aggregate classification (germline): Uncertain significance. Review status: criteria provided, multiple submitters, no conflicts (2 of 4 stars). 4 submissions from 4 submitters: Uncertain significance (4). Last evaluated 2026-05-12.

Conditions:
Achondrogenesis, type IA (ACG1A). Identifiers: Orphanet 932, Orphanet 93299, MedGen C0265273, MONDO:0008701, OMIM 200600.
Inborn genetic diseases. Identifiers: MedGen C0950123, MeSH D030342.

Allele frequency attached by ClinVar (database versions not stated): gnomAD exomes 0.00015 and 0.00006; gnomAD 0.00013 and 0.00012; TOPMed 0.00013; ExAC 0.00004; ESP Exome Variant Server 0.00031.
gnomAD v4.1: 252 of 1,612,706 alleles (0.016%); highest among the groups gnomAD compares: Non-Finnish European, 0.02%; no homozygotes.

Submissions (4):

Women's Health and Genetics/Laboratory Corporation of America, LabCorp
Classification: Uncertain significance. Last evaluated: 2026-05-12. Review status: criteria provided, single submitter. Criteria: LabCorp Variant Classification Summary - May 2015. Collection method: clinical testing. Allele origin: germline.

GeneDx
Classification: Uncertain significance. Last evaluated: 2025-01-16. Review status: criteria provided, single submitter. Criteria: GeneDx Variant Classification Process June 2021. Collection method: clinical testing. Allele origin: germline. Affected: yes.
Comment: In silico analysis indicates that this missense variant does not alter protein structure/function; Has not been previously published as pathogenic or benign to our knowledge

Labcorp Genetics (formerly Invitae), Labcorp
Classification: Uncertain significance for Achondrogenesis, type IA. Last evaluated: 2022-07-12. Review status: criteria provided, single submitter. Criteria: Invitae Variant Classification Sherloc (09022015). Collection method: clinical testing. Allele origin: germline.
Comment: In summary, the available evidence is currently insufficient to determine the role of this variant in disease. Therefore, it has been classified as a Variant of Uncertain Significance. Experimental studies and prediction algorithms are not available or were not evaluated, and the functional significance of this variant is currently unknown. ClinVar contains an entry for this variant (Variation ID: 641862). This variant has not been reported in the literature in individuals affected with TRIP11-related conditions. This variant is present in population databases (rs202127909, gnomAD 0.02%). This sequence change replaces glycine, which is neutral and non-polar, with serine, which is neutral and polar, at codon 21 of the TRIP11 protein (p.Gly21Ser).

Ambry Genetics
Classification: Uncertain significance for Inborn genetic diseases. Last evaluated: 2022-03-16. Review status: criteria provided, single submitter. Criteria: Ambry Variant Classification Scheme 2023. Collection method: clinical testing. Allele origin: germline.

NM_004239.4(TRIP11):c.61G>A (p.Gly21Ser)

Gene: TRIP11 (thyroid hormone receptor interactor 11; minus strand). Cytogenetic location: 14q32.12.
Variant type: single nucleotide variant.
Coding change: c.61G>A on transcript NM_004239.4 (MANE Select); coding-DNA position 61, G replaced by A.
Protein change: p.Gly21Ser; replaces glycine 21 with serine.
Molecular consequence: missense variant.
Genome position (GRCh38, 1-based): chr14:92,039,625, C>T on the plus strand (G>A on the coding strand, the complement: TRIP11 is on the minus strand). VCF-style: chr14-92039625-C-T. GRCh37 (hg19) VCF-style: chr14-92505969-C-T.
Other names: c.61G>A, p.Gly21Ser (NM_001321851.1); c.61G>A (NM_004239.3); short protein forms G21S.
Identifiers: ClinVar variation 641862 (VCV000641862.11), dbSNP rs202127909, ClinGen allele CA7314315.